The following is an entry in ClinVar:

NM_053013.4(ENO3):c.483C>A (p.Asn161Lys)

Gene: ENO3 (enolase 3; plus strand). Cytogenetic location: 17p13.2.
Variant type: single nucleotide variant.
Coding change: c.483C>A on transcript NM_053013.4 (MANE Select); coding-DNA position 483, C replaced by A.
Protein change: p.Asn161Lys; replaces asparagine 161 with lysine.
Molecular consequence: missense variant.
Genome position (GRCh38, 1-based): chr17:4,955,113, C>A. VCF-style: chr17-4955113-C-A. GRCh37 (hg19) VCF-style: chr17-4858408-C-A.
Other names: c.354C>A, p.Asn118Lys (NM_001193503.2); c.483C>A, p.Asn161Lys (NM_001374523.1, NM_001976.5); c.510C>A, p.Asn170Lys (NM_001374524.1); short protein forms N118K, N170K, N161K.
Identifiers: ClinVar variation 1940901 (VCV001940901.4), dbSNP rs1344277773, ClinGen allele CA397289821.
Genomic context (GRCh38, chr17:4,955,113, plus strand): 5'-AGACACCCTCTCCCCATCTCAGGCCTTCAATGTGATCAACGGGGGCTCCCATGCTGGAAA[C>A]AAGCTGGCCATGCAGGAGTTCATGATTCTGCCTGTGGGAGCCAGCTCCTTCAAGGAAGCC-3'
Protein context (NP_443739.3, residues 151-171): NVINGGSHAG[Asn161Lys]KLAMQEFMIL

ClinVar aggregate classification (germline): Uncertain significance (1 of 4 stars; one submission).

Conditions:
Glycogen storage disease due to muscle beta-enolase deficiency (GSD13). Also called: ENOLASE 3 DEFICIENCY; ENOLASE-BETA DEFICIENCY; GSD XIII; Glycogen Storage Disease Type XIII. Identifiers: Orphanet 99849, MedGen C2752027, MONDO:0013046, OMIM 612932.

Allele frequency attached by ClinVar (database versions not stated): TOPMed 0.00001.

Submission:

Labcorp Genetics (formerly Invitae), Labcorp
Classification: Uncertain significance for Glycogen storage disease due to muscle beta-enolase deficiency. Last evaluated: 2024-03-04. Review status: criteria provided, single submitter. Criteria: Invitae Variant Classification Sherloc (09022015). Collection method: clinical testing. Allele origin: germline.
Comment: This sequence change replaces asparagine, which is neutral and polar, with lysine, which is basic and polar, at codon 161 of the ENO3 protein (p.Asn161Lys). This variant is not present in population databases (gnomAD no frequency). This variant has not been reported in the literature in individuals affected with ENO3-related conditions. ClinVar contains an entry for this variant (Variation ID: 1940901). Advanced modeling of protein sequence and biophysical properties (such as structural, functional, and spatial information, amino acid conservation, physicochemical variation, residue mobility, and thermodynamic stability) has been performed at Invitae for this missense variant, however the output from this modeling did not meet the statistical confidence thresholds required to predict the impact of this variant on ENO3 protein function. In summary, the available evidence is currently insufficient to determine the role of this variant in disease. Therefore, it has been classified as a Variant of Uncertain Significance.